The following is an entry in ClinVar:

NM_058216.3(RAD51C):c.773G>T (p.Arg258Leu)

Gene: RAD51C (RAD51 paralog C; plus strand). Cytogenetic location: 17q22.
Variant type: single nucleotide variant.
Coding change: c.773G>T on transcript NM_058216.3 (MANE Select); coding-DNA position 773, G replaced by T.
Protein change: p.Arg258Leu; replaces arginine 258 with leucine.
Molecular consequence: missense variant. On other transcripts: non-coding transcript variant (1).
Genome position (GRCh38, 1-based): chr17:58,709,926, G>T. VCF-style: chr17-58709926-G-T. GRCh37 (hg19) VCF-style: chr17-56787287-G-T.
Other names: short protein forms R258L.
Identifiers: ClinVar variation 657073 (VCV000657073.10), dbSNP rs267606997, ClinGen allele CA400353836.

ClinVar aggregate classification (germline): Uncertain significance (1 of 4 stars; one submission).

Conditions:
Fanconi anemia complementation group O. Also called: RAD51C-Related Fanconi Anemia. Identifiers: Orphanet 84, MedGen C3150653, MONDO:0013248, OMIM 613390.

Submission:

Labcorp Genetics (formerly Invitae), Labcorp
Classification: Uncertain significance for Fanconi anemia complementation group O. Last evaluated: 2019-01-11. Review status: criteria provided, single submitter. Criteria: Invitae Variant Classification Sherloc (09022015). Collection method: clinical testing. Allele origin: germline.
Comment: This sequence change replaces arginine with leucine at codon 258 of the RAD51C protein (p.Arg258Leu). The arginine residue is highly conserved and there is a moderate physicochemical difference between arginine and leucine. This variant is not present in population databases (ExAC no frequency). In summary, the available evidence is currently insufficient to determine the role of this variant in disease. Therefore, it has been classified as a Variant of Uncertain Significance. This variant disrupts the p.Arg258 amino acid residue in RAD51C. Other variant(s) that disrupt this residue have been observed in affected individuals (PMID: 20400963, 25154786, 26740214), suggesting that it is a clinically significant residue. As a result, variants that disrupt this residue are likely to be causative of disease. Algorithms developed to predict the effect of missense changes on protein structure and function (SIFT, PolyPhen-2, Align-GVGD) all suggest that this variant is likely to be disruptive, but these predictions have not been confirmed by published functional studies and their clinical significance is uncertain. This variant has not been reported in the literature in individuals with RAD51C-related disease.

Literature cited by the submitters: PubMed 20400963; PubMed 25154786; PubMed 26740214.